The following is an entry in ClinVar:

ClinVar aggregate classification (germline): Conflicting classifications of pathogenicity. Review status: criteria provided, conflicting classifications (1 of 4 stars). 2 submissions from 2 submitters: Uncertain significance (1); Likely benign (1). Last evaluated 2024-06-18.

Conditions:
Neonatal-onset encephalopathy with rigidity and seizures. Also called: Lethal neonatal spasticity-epileptic encephalopathy syndrome. Identifiers: Orphanet 435845, MedGen C3281029, MONDO:0013784, OMIM 614498.

Allele frequency attached by ClinVar (database versions not stated): TOPMed 0.00002; gnomAD exomes 0.00003.
gnomAD v4.1: 27 of 1,611,078 alleles (0.0017%); highest among the groups gnomAD compares: African/African-American, 0.011%; no homozygotes.

Submissions (2):

Blueprint Genetics
Classification: Likely benign. Last evaluated: 2024-06-18. Review status: criteria provided, single submitter. Criteria: ACMG Guidelines, 2015. Collection method: clinical testing. Allele origin: germline.

Labcorp Genetics (formerly Invitae), Labcorp
Classification: Uncertain significance for Neonatal-onset encephalopathy with rigidity and seizures. Last evaluated: 2022-06-27. Review status: criteria provided, single submitter. Criteria: Invitae Variant Classification Sherloc (09022015). Collection method: clinical testing. Allele origin: germline.
Comment: This sequence change replaces arginine, which is basic and polar, with glutamine, which is neutral and polar, at codon 756 of the BRAT1 protein (p.Arg756Gln). This variant is present in population databases (rs35955968, gnomAD 0.009%). This variant has not been reported in the literature in individuals affected with BRAT1-related conditions. ClinVar contains an entry for this variant (Variation ID: 857214). Algorithms developed to predict the effect of missense changes on protein structure and function output the following: SIFT: "Tolerated"; PolyPhen-2: "Benign"; Align-GVGD: "Class C0". The glutamine amino acid residue is found in multiple mammalian species, which suggests that this missense change does not adversely affect protein function. In summary, the available evidence is currently insufficient to determine the role of this variant in disease. Therefore, it has been classified as a Variant of Uncertain Significance.

NM_152743.4(BRAT1):c.2267G>A (p.Arg756Gln)

Gene: BRAT1 (BRCA1 associated ATM activator 1; minus strand). Cytogenetic location: 7p22.3.
Variant type: single nucleotide variant.
Coding change: c.2267G>A on transcript NM_152743.4 (MANE Select); coding-DNA position 2267, G replaced by A.
Protein change: p.Arg756Gln; replaces arginine 756 with glutamine.
Molecular consequence: missense variant. On other transcripts: non-coding transcript variant (1).
Genome position (GRCh38, 1-based): chr7:2,538,268, C>T on the plus strand (G>A on the coding strand, the complement: BRAT1 is on the minus strand). VCF-style: chr7-2538268-C-T. GRCh37 (hg19) VCF-style: chr7-2577902-C-T.
Other names: c.2447G>A, p.Arg816Gln (NM_001350626.2); c.1742G>A, p.Arg581Gln (NM_001350627.2); short protein forms R581Q, R816Q, R756Q.
Identifiers: ClinVar variation 857214 (VCV000857214.8), dbSNP rs35955968, ClinGen allele CA4127408.